The following is an entry in ClinVar:

ClinVar aggregate classification (germline): Conflicting classifications of pathogenicity. Review status: criteria provided, conflicting classifications (1 of 4 stars). 2 submissions from 2 submitters: Uncertain significance (1); Likely benign (1). Last evaluated 2023-03-23.

Conditions:
Hereditary cancer-predisposing syndrome. Also called: Tumor predisposition; Hereditary Cancer Syndrome; Neoplastic Syndromes, Hereditary; Hereditary neoplastic syndrome. Identifiers: Orphanet 140162, MedGen C0027672, MeSH D009386, MONDO:0015356.

Submissions (2):

University of Washington Department of Laboratory Medicine, University of Washington
Classification: Likely benign for Hereditary cancer-predisposing syndrome. Last evaluated: 2023-03-23. Review status: criteria provided, single submitter. Criteria: Dines et al. (Genet Med. 2020). Collection method: curation. Allele origin: germline.
Comment: Missense variant in a coldspot region where missense variants are very unlikely to be pathogenic (PMID:31911673).

BRCA2 exon 10 coldspot. Reclassification based on statistical prior probability.

Ambry Genetics
Classification: Uncertain significance for Hereditary cancer-predisposing syndrome. Last evaluated: 2018-06-29. Review status: criteria provided, single submitter. Criteria: Ambry Variant Classification Scheme 2023. Collection method: clinical testing. Allele origin: germline.
Comment: The p.E304K variant (also known as c.910G>A), located in coding exon 9 of the BRCA2 gene, results from a G to A substitution at nucleotide position 910. The glutamic acid at codon 304 is replaced by lysine, an amino acid with similar properties. This amino acid position is well conserved in available vertebrate species. In addition, this alteration is predicted to be tolerated by in silico analysis. Since supporting evidence is limited at this time, the clinical significance of this alteration remains unclear.

NM_000059.4(BRCA2):c.910G>A (p.Glu304Lys)

Gene: BRCA2 (BRCA2 DNA repair associated; plus strand). Cytogenetic location: 13q13.1.
Variant type: single nucleotide variant.
Coding change: c.910G>A on transcript NM_000059.4 (MANE Select); coding-DNA position 910, G replaced by A.
Protein change: p.Glu304Lys; replaces glutamic acid 304 with lysine.
Molecular consequence: missense variant.
Genome position (GRCh38, 1-based): chr13:32,332,388, G>A. VCF-style: chr13-32332388-G-A. GRCh37 (hg19) VCF-style: chr13-32906525-G-A.
Other names: short protein forms E304K.
Identifiers: ClinVar variation 823025 (VCV000823025.6), dbSNP rs1593891461, ClinGen allele CA387760694.